The following is an entry in ClinVar:

ClinVar aggregate classification (germline): Likely pathogenic (1 of 4 stars; one submission).

Submission:

Labcorp Genetics (formerly Invitae), Labcorp
Classification: Likely pathogenic. Last evaluated: 2023-03-13. Review status: criteria provided, single submitter. Criteria: Invitae Variant Classification Sherloc (09022015). Collection method: clinical testing. Allele origin: unknown.
Comment: This variant has not been reported in the literature in individuals affected with TTPA-related conditions. This variant results in a copy number gain of the genomic region encompassing exon(s) 2 of the TTPA gene. While the exact position of this variant cannot be determined from the data, sub-genic copy number gains are generally in tandem (PMID: 25640679). This variant is predicted to be out-of-frame, and may result in an absent or disrupted protein product. Loss-of-function variants in TTPA are known to be pathogenic (PMID: 9463307, 26068213). In summary, the currently available evidence indicates that the variant is pathogenic, but additional data are needed to prove that conclusively. Therefore, this variant has been classified as Likely Pathogenic.

Literature cited by the submitters: PubMed 25640679; PubMed 9463307; PubMed 26068213.

NC_000008.10:g.(?_63985474)_(63985667_?)dup

Gene: TTPA (alpha tocopherol transfer protein; minus strand). Cytogenetic location: 8q12.3.
Variant type: Duplication.
Identifiers: ClinVar variation 3245552 (VCV003245552.1).